The following is an entry in ClinVar:

NM_000038.6(APC):c.8171C>T (p.Ser2724Phe)

Gene: APC (APC regulator of Wnt signaling pathway; plus strand). Cytogenetic location: 5q22.2.
Variant type: single nucleotide variant.
Coding change: c.8171C>T on transcript NM_000038.6 (MANE Select); coding-DNA position 8171, C replaced by T.
Protein change: p.Ser2724Phe; replaces serine 2724 with phenylalanine.
Molecular consequence: missense variant.
Genome position (GRCh38, 1-based): chr5:112,843,765, C>T. VCF-style: chr5-112843765-C-T. GRCh37 (hg19) VCF-style: chr5-112179462-C-T.
Other names: c.8171C>T, p.Ser2724Phe (NM_001127510.3, NM_001354895.2); c.8117C>T, p.Ser2706Phe (NM_001127511.3); c.8225C>T, p.Ser2742Phe (NM_001354896.2); c.8201C>T, p.Ser2734Phe (NM_001354897.2); c.8096C>T, p.Ser2699Phe (NM_001354898.2); c.8087C>T, p.Ser2696Phe (NM_001354899.2); c.8048C>T, p.Ser2683Phe (NM_001354900.2); c.7994C>T, p.Ser2665Phe (NM_001354901.2); and 5 more; short protein forms S2441F, S2683F, S2724F, S2734F, S2696F, S2598F, S2633F, S2665F.
Identifiers: ClinVar variation 947593 (VCV000947593.11), dbSNP rs1766671144, ClinGen allele CA16039069.

ClinVar aggregate classification (germline): Uncertain significance (1 of 4 stars; one submission).

Conditions:
Familial adenomatous polyposis 1 (FAP1). Also called: FAMILIAL ADENOMATOUS POLYPOSIS 1, ATTENUATED; POLYPOSIS, ADENOMATOUS INTESTINAL. Identifiers: MedGen C2713442, MONDO:0021056, OMIM 175100. Disease mechanism: loss of function.

Submission:

Labcorp Genetics (formerly Invitae), Labcorp
Classification: Uncertain significance for Familial adenomatous polyposis 1. Last evaluated: 2023-03-18. Review status: criteria provided, single submitter. Criteria: Invitae Variant Classification Sherloc (09022015). Collection method: clinical testing. Allele origin: germline.
Comment: This sequence change replaces serine, which is neutral and polar, with phenylalanine, which is neutral and non-polar, at codon 2724 of the APC protein (p.Ser2724Phe). In summary, the available evidence is currently insufficient to determine the role of this variant in disease. Therefore, it has been classified as a Variant of Uncertain Significance. Advanced modeling of protein sequence and biophysical properties (such as structural, functional, and spatial information, amino acid conservation, physicochemical variation, residue mobility, and thermodynamic stability) performed at Invitae indicates that this missense variant is not expected to disrupt APC protein function. ClinVar contains an entry for this variant (Variation ID: 947593). This variant has not been reported in the literature in individuals affected with APC-related conditions. This variant is not present in population databases (gnomAD no frequency).